The following is an entry in ClinVar:

ClinVar aggregate classification (germline): Uncertain significance. Review status: criteria provided, multiple submitters, no conflicts (2 of 4 stars). 2 submissions from 2 submitters: Uncertain significance (2). Last evaluated 2024-06-05.

Allele frequency attached by ClinVar (database versions not stated): TOPMed below 0.00001; gnomAD 0.00001.
gnomAD v4.1: 5 of 1,613,494 alleles (0.00031%); highest among the groups gnomAD compares: Non-Finnish European, 0.00034%; no homozygotes.

Submissions (2):

Women's Health and Genetics/Laboratory Corporation of America, LabCorp
Classification: Uncertain significance. Last evaluated: 2024-06-05. Review status: criteria provided, single submitter. Criteria: LabCorp Variant Classification Summary - May 2015. Collection method: clinical testing. Allele origin: germline.

GeneDx
Classification: Uncertain significance. Last evaluated: 2021-12-30. Review status: criteria provided, single submitter. Criteria: GeneDx Variant Classification Process June 2021. Collection method: clinical testing. Allele origin: germline. Affected: yes.
Comment: Not observed at significant frequency in large population cohorts (Lek et al., 2016); In silico analysis supports that this missense variant has a deleterious effect on protein structure/function; Has not been previously published as pathogenic or benign to our knowledge

NM_078470.6(COX15):c.281A>C (p.Glu94Ala)

Gene: COX15 (cytochrome c oxidase assembly homolog COX15; minus strand). Cytogenetic location: 10q24.2.
Variant type: single nucleotide variant.
Coding change: c.281A>C on transcript NM_078470.6 (MANE Select); coding-DNA position 281, A replaced by C.
Protein change: p.Glu94Ala; replaces glutamic acid 94 with alanine.
Molecular consequence: missense variant. On other transcripts: 5 prime UTR variant (1), non-coding transcript variant (1).
Genome position (GRCh38, 1-based): chr10:99,727,555, T>G on the plus strand (A>C on the coding strand, the complement: COX15 is on the minus strand). VCF-style: chr10-99727555-T-G. GRCh37 (hg19) VCF-style: chr10-101487312-T-G.
Other names: p.E94A:GAG>GCG; c.281A>C, p.Glu94Ala (NM_001320974.2, NM_001320975.2, NM_001372024.1 and 5 more transcripts); c.-174A>C (NM_001320976.2); short protein forms E94A.
Identifiers: ClinVar variation 214264 (VCV000214264.5), dbSNP rs863223944, ClinGen allele CA322199.